The following is an entry in ClinVar:

NM_006329.4(FBLN5):c.74C>G (p.Ala25Gly)

Gene: FBLN5 (fibulin 5; minus strand). Cytogenetic location: 14q32.12.
Variant type: single nucleotide variant.
Coding change: c.74C>G on transcript NM_006329.4 (MANE Select); coding-DNA position 74, C replaced by G.
Protein change: p.Ala25Gly; replaces alanine 25 with glycine.
Molecular consequence: missense variant. On other transcripts: 5 prime UTR variant (2).
Genome position (GRCh38, 1-based): chr14:91,940,615, G>C on the plus strand (C>G on the coding strand, the complement: FBLN5 is on the minus strand). VCF-style: chr14-91940615-G-C. GRCh37 (hg19) VCF-style: chr14-92406959-G-C.
Other names: c.74C>G, p.Ala25Gly (NM_001384158.1, NM_001384160.1); c.125C>G, p.Ala42Gly (NM_001384159.1); c.-196C>G (NM_001384161.1, NM_001384162.1); short protein forms A25G, A42G.
Identifiers: ClinVar variation 1506019 (VCV001506019.8), dbSNP rs2140052820, ClinGen allele CA390641391.

ClinVar aggregate classification (germline): Uncertain significance (1 of 4 stars; one submission).

Submission:

Labcorp Genetics (formerly Invitae), Labcorp
Classification: Uncertain significance. Last evaluated: 2021-03-26. Review status: criteria provided, single submitter. Criteria: Invitae Variant Classification Sherloc (09022015). Collection method: clinical testing. Allele origin: germline.
Comment: In summary, the available evidence is currently insufficient to determine the role of this variant in disease. Therefore, it has been classified as a Variant of Uncertain Significance. Algorithms developed to predict the effect of missense changes on protein structure and function (SIFT, PolyPhen-2, Align-GVGD) all suggest that this variant is likely to be tolerated, but these predictions have not been confirmed by published functional studies and their clinical significance is uncertain. This variant has not been reported in the literature in individuals with FBLN5-related conditions. This variant is not present in population databases (ExAC no frequency). This sequence change replaces alanine with glycine at codon 25 of the FBLN5 protein (p.Ala25Gly). The alanine residue is weakly conserved and there is a small physicochemical difference between alanine and glycine.